The following is an entry in ClinVar:

NM_002887.3(RARS1):c.-45C>T

Gene: RARS1 (arginyl-tRNA synthetase 1; plus strand). Cytogenetic location: 5q34.
Variant type: single nucleotide variant.
Coding change: c.-45C>T on transcript NM_002887.3; 45 bases upstream of the start codon, C replaced by T.
Genome position (GRCh38, 1-based): chr5:168,486,454, C>T. VCF-style: chr5-168486454-C-T. GRCh37 (hg19) VCF-style: chr5-167913459-C-T.
Identifiers: ClinVar variation 388266 (VCV000388266.3), dbSNP rs2305725, ClinGen allele CA3549458.

ClinVar aggregate classification (germline): Likely benign (1 of 4 stars; one submission).

Allele frequency attached by ClinVar (database versions not stated): 1000 Genomes Project 30x 0.00016.

Submission:

GeneDx
Classification: Likely benign. Last evaluated: 2016-08-15. Review status: criteria provided, single submitter. Criteria: GeneDx Variant Classification (06012015). Collection method: clinical testing. Allele origin: germline. Affected: yes.
Comment: This variant is considered likely benign or benign based on one or more of the following criteria: it is a conservative change, it occurs at a poorly conserved position in the protein, it is predicted to be benign by multiple in silico algorithms, and/or has population frequency not consistent with disease.